The following is an entry in ClinVar:

GRCh38/hg38 7q36.1(chr7:149551612-149583388)x1

Gene: TRC-GCA22-1 (tRNA-Cys (anticodon GCA) 22-1; plus strand). Cytogenetic location: 7q36.1.
Variant type: copy number loss.
Change: copy number 1 (one copy instead of two) of chr7:149,551,612-149,583,388 (31.8 kb, GRCh38 coordinates, 1-based), cytogenetic band 7q36.1.
Identifiers: ClinVar variation 58933 (VCV000058933.1).

ClinVar aggregate classification (germline): Uncertain significance (1 of 4 stars; one submission).

Submission:

ISCA site 15
Classification: Uncertain significance. Last evaluated: 2011-08-12. Review status: criteria provided, single submitter. Criteria: Kaminsky et al. (Genet Med. 2011). Collection method: clinical testing. Allele origin: unknown. Affected: yes. Observed: 1 variant allele.
Comment: Copy number variation identified through the course of routine clinical cytogenomic testing in postnatal populations. Clinical assertions have been curated as described in Kaminsky et al. 2011.